The following is an entry in ClinVar:

ClinVar aggregate classification (germline): Conflicting classifications of pathogenicity. Review status: criteria provided, conflicting classifications (1 of 4 stars). 3 submissions from 3 submitters: Uncertain significance (2); Likely benign (1). Last evaluated 2025-12-31.

Conditions:
Familial hypercholesterolemia. Also called: Familial hypercholesterolemias; Familial hypercholesterolaemia. Identifiers: MedGen C0020445, MONDO:0005439.
Familial hypobetalipoproteinemia 1. Also called: Hypobetalipoproteinemia, normotriglyceridemic; Acanthocytosis with hypobetalipoproteinemia; APOB-Related Familial Hypobetalipoproteinemia. Identifiers: MedGen C4551990, MONDO:0014252, OMIM 615558.
Hypercholesterolemia, autosomal dominant, type B (FHCL2). Also called: Familial Hypercholesterolemia Type B; Familial hypercholesterolemia 2; Hyperlipoproteinemia Type IIb; HYPERCHOLESTEROLEMIA, FAMILIAL, DUE TO LIGAND-DEFECTIVE APOLIPOPROTEIN B; APOLIPOPROTEIN B-100, FAMILIAL DEFECTIVE; APOLIPOPROTEIN B-100, FAMILIAL LIGAND-DEFECTIVE. Identifiers: MedGen C1704417, MONDO:0007751, OMIM 144010.

Allele frequency attached by ClinVar (database versions not stated): gnomAD 0.00001; gnomAD exomes 0.00001 and 0.00002; TOPMed 0.00001; ExAC 0.00002.
gnomAD v4.1: 18 of 1,614,044 alleles (0.0011%); highest among the groups gnomAD compares: Non-Finnish European, 0.0015%; no homozygotes.

Submissions (3):

Labcorp Genetics (formerly Invitae), Labcorp
Classification: Likely benign for Familial hypobetalipoproteinemia 1; Hypercholesterolemia, autosomal dominant, type B. Last evaluated: 2025-12-31. Review status: criteria provided, single submitter. Criteria: Invitae Variant Classification Sherloc (09022015). Collection method: clinical testing. Allele origin: germline.

Blueprint Genetics
Classification: Uncertain significance. Last evaluated: 2024-11-20. Review status: criteria provided, single submitter. Criteria: ACMG Guidelines, 2015. Collection method: clinical testing. Allele origin: germline.

Cambridge Genomics Laboratory, East Genomic Laboratory Hub, NHS Genomic Medicine Service
Classification: Uncertain significance for Familial hypercholesterolaemia. Last evaluated: 2024-02-26. Review status: criteria provided, single submitter. Criteria: ACGS Best Practice Guidelines for Variant Classification in Rare Disease 2020. Collection method: clinical testing. Allele origin: germline. Affected: yes.
Comment: The p.Val363Ala variant is observed in 4/113.694 (0.0035%) alleles from individuals of gnomAD Non Finnish European background in gnomAD All. The p.Val363Ala variant is novel (not in any individuals) in 1kG All. The p.Val363Ala variant is observed in 1/68.034 (0.0015%) alleles from individuals of gnomAD Genomes v3 Non Finnish European background in gnomAD Genomes v3 All. (PM2 - Moderate) | The p.Val363Ala variant is not predicted to introduce a novel splice site by any splice site algorithm. The valine residue at codon 363 of APOB is not conserved in all mammalian species, with 19 of the 60 mammals with alignments containing alternative residues. (BP4 - Supporting)

NM_000384.3(APOB):c.1088T>C (p.Val363Ala)

Gene: APOB (apolipoprotein B; minus strand). Cytogenetic location: 2p24.1.
Variant type: single nucleotide variant.
Coding change: c.1088T>C on transcript NM_000384.3 (MANE Select); coding-DNA position 1088, T replaced by C.
Protein change: p.Val363Ala; replaces valine 363 with alanine.
Molecular consequence: missense variant.
Genome position (GRCh38, 1-based): chr2:21,033,335, A>G on the plus strand (T>C on the coding strand, the complement: APOB is on the minus strand). VCF-style: chr2-21033335-A-G. GRCh37 (hg19) VCF-style: chr2-21256207-A-G.
Other names: short protein forms V363A.
Identifiers: ClinVar variation 923530 (VCV000923530.10), dbSNP rs751259935, ClinGen allele CA045088.
Genomic context (GRCh38, chr2:21,033,335, plus strand): 5'-AGTTGAGCTGTAACCATTAGATACCTGGACACCTCAATCAGCTGTGGCAAGAGAGATGTG[A>G]CTGCTTCATCACTGAGGCCTCTCAGCTCAGTAACCAGCTTATTGAAGAGATTAGCTCTCT-3'
Protein context (NP_000375.3, residues 353-373): TELRGLSDEA[Val363Ala]TSLLPQLIEV